The following is an entry in ClinVar:

NM_000152.5(GAA):c.2110G>T (p.Ala704Ser)

Gene: GAA (alpha glucosidase; plus strand). Cytogenetic location: 17q25.3.
Variant type: single nucleotide variant.
Coding change: c.2110G>T on transcript NM_000152.5 (MANE Select); coding-DNA position 2110, G replaced by T.
Protein change: p.Ala704Ser; replaces alanine 704 with serine.
Molecular consequence: missense variant.
Genome position (GRCh38, 1-based): chr17:80,113,287, G>T. VCF-style: chr17-80113287-G-T. GRCh37 (hg19) VCF-style: chr17-78087086-G-T.
Other names: c.2110G>T, p.Ala704Ser (NM_001079803.3, NM_001079804.3); short protein forms A704S.
Identifiers: ClinVar variation 1517243 (VCV001517243.6), dbSNP rs375681364, ClinGen allele CA401370512.

ClinVar aggregate classification (germline): Uncertain significance. Review status: criteria provided, multiple submitters, no conflicts (2 of 4 stars). 2 submissions from 2 submitters: Uncertain significance (2). Last evaluated 2021-11-08.

Conditions:
Glycogen storage disease, type II (IOPD). Also called: GLYCOGENOSIS, GENERALIZED, CARDIAC FORM; GSD II; Glycogen storage disease type 2; Acid maltase deficiency disease; Aglucosidase alfa; Deficiency of alpha-glucosidase. Identifiers: Orphanet 365, MedGen C0017921, MONDO:0009290, OMIM 232300.

gnomAD v4.1: 7 of 1,599,594 alleles (0.00044%); highest among the groups gnomAD compares: Non-Finnish European, 0.0006%; no homozygotes.

Submissions (2):

Fulgent Genetics
Classification: Uncertain significance for Glycogen storage disease, type II. Last evaluated: 2021-11-08. Review status: criteria provided, single submitter. Criteria: ACMG Guidelines, 2015. Collection method: clinical testing. Allele origin: unknown.

Labcorp Genetics (formerly Invitae), Labcorp
Classification: Uncertain significance for Glycogen storage disease, type II. Last evaluated: 2021-09-17. Review status: criteria provided, single submitter. Criteria: Invitae Variant Classification Sherloc (09022015). Collection method: clinical testing. Allele origin: germline.
Comment: This sequence change replaces alanine with serine at codon 704 of the GAA protein (p.Ala704Ser). The alanine residue is weakly conserved and there is a moderate physicochemical difference between alanine and serine. This variant is not present in population databases (ExAC no frequency). This variant has not been reported in the literature in individuals with GAA-related conditions. Algorithms developed to predict the effect of missense changes on protein structure and function (SIFT, PolyPhen-2, Align-GVGD) all suggest that this variant is likely to be tolerated, but these predictions have not been confirmed by published functional studies and their clinical significance is uncertain. In summary, the available evidence is currently insufficient to determine the role of this variant in disease. Therefore, it has been classified as a Variant of Uncertain Significance.